The following is an entry in ClinVar:

ClinVar aggregate classification (germline): Benign/Likely benign. Review status: criteria provided, multiple submitters, no conflicts (2 of 4 stars). 5 submissions from 5 submitters: Benign (1); Likely benign (4). Last evaluated 2025-07-21.

Conditions:
Charcot-Marie-Tooth disease axonal type 2C (HMSN2C). Also called: CHARCOT-MARIE-TOOTH DISEASE, AXONAL, AUTOSOMAL DOMINANT, TYPE 2C; Charcot-Marie-Tooth Neuropathy Type 2C; Charcot-Marie-Tooth Disease Type 2, TRPV4-Related (CMT2C). Identifiers: Orphanet 99937, MedGen C1853710, MONDO:0011633, OMIM 606071.
Inborn genetic diseases. Identifiers: MedGen C0950123, MeSH D030342.

Allele frequency attached by ClinVar (database versions not stated): TOPMed 0.00012; gnomAD exomes 0.00020; ExAC 0.00024; gnomAD 0.00004 and 0.00008; 1000 Genomes Project 30x 0.00031; 1000 Genomes Project 0.00040.
gnomAD v4.1: 222 of 1,614,162 alleles (0.014%); highest among the groups gnomAD compares: East Asian, 0.29%; 1 homozygote.

Submissions (5):

Labcorp Genetics (formerly Invitae), Labcorp
Classification: Benign for Charcot-Marie-Tooth disease axonal type 2C. Last evaluated: 2025-07-21. Review status: criteria provided, single submitter. Criteria: Invitae Variant Classification Sherloc (09022015). Collection method: clinical testing. Allele origin: germline.

Blueprint Genetics
Classification: Likely benign. Last evaluated: 2024-11-12. Review status: criteria provided, single submitter. Criteria: ACMG Guidelines, 2015. Collection method: clinical testing. Allele origin: germline.

Ambry Genetics
Classification: Likely benign for Inborn genetic diseases. Last evaluated: 2019-07-11. Review status: criteria provided, single submitter. Criteria: Ambry Variant Classification Scheme 2023. Collection method: clinical testing. Allele origin: germline.

GeneDx
Classification: Likely benign. Last evaluated: 2018-01-09. Review status: criteria provided, single submitter. Criteria: GeneDx Variant Classification (06012015). Collection method: clinical testing. Allele origin: germline. Affected: yes.
Comment: This variant is considered likely benign or benign based on one or more of the following criteria: it is a conservative change, it occurs at a poorly conserved position in the protein, it is predicted to be benign by multiple in silico algorithms, and/or has population frequency not consistent with disease.

Breakthrough Genomics
Classification: Likely benign. Review status: criteria provided, single submitter. Criteria: ACMG Guidelines, 2015. Collection method: not provided. Allele origin: germline. Inheritance: Autosomal dominant inheritance. Affected: yes.

NM_021625.5(TRPV4):c.2388C>T (p.Asn796=)

Gene: TRPV4 (transient receptor potential cation channel subfamily V member 4; minus strand). Cytogenetic location: 12q24.11.
Variant type: single nucleotide variant.
Coding change: c.2388C>T on transcript NM_021625.5 (MANE Select); coding-DNA position 2388, C replaced by T.
Protein change: p.Asn796=; no amino-acid change (asparagine 796 retained).
Molecular consequence: synonymous variant.
Genome position (GRCh38, 1-based): chr12:109,784,386, G>A on the plus strand (C>T on the coding strand, the complement: TRPV4 is on the minus strand). VCF-style: chr12-109784386-G-A. GRCh37 (hg19) VCF-style: chr12-110222191-G-A.
Other names: c.2247C>T, p.Asn749= (NM_001177428.2); c.2286C>T, p.Asn762= (NM_001177431.2); c.2067C>T, p.Asn689= (NM_001177433.2); c.2208C>T, p.Asn736= (NM_147204.3).
Identifiers: ClinVar variation 514677 (VCV000514677.15), dbSNP rs116685089, ClinGen allele CA6779937.